The following is an entry in ClinVar:

NM_003242.6(TGFBR2):c.1102T>A (p.Cys368Ser)

Gene: TGFBR2 (transforming growth factor beta receptor 2; plus strand). Cytogenetic location: 3p24.1.
Variant type: single nucleotide variant.
Coding change: c.1102T>A on transcript NM_003242.6 (MANE Select); coding-DNA position 1102, T replaced by A.
Protein change: p.Cys368Ser; replaces cysteine 368 with serine.
Molecular consequence: missense variant.
Genome position (GRCh38, 1-based): chr3:30,672,285, T>A. VCF-style: chr3-30672285-T-A. GRCh37 (hg19) VCF-style: chr3-30713777-T-A.
Other names: c.1177T>A, p.Cys393Ser (NM_001024847.3); c.1285T>A, p.Cys429Ser (NM_001407126.1); c.1210T>A, p.Cys404Ser (NM_001407127.1); c.1129T>A, p.Cys377Ser (NM_001407128.1); c.1105T>A, p.Cys369Ser (NM_001407129.1); c.1102T>A, p.Cys368Ser (NM_001407130.1); c.997T>A, p.Cys333Ser (NM_001407132.1, NM_001407133.1, NM_001407134.1 and 2 more transcripts); c.817T>A, p.Cys273Ser (NM_001407137.1); and 1 more; short protein forms C369S, C429S, C248S, C273S, C368S, C404S, C393S, C333S.
Identifiers: ClinVar variation 1792881 (VCV001792881.2), dbSNP rs2125436184, ClinGen allele CA351808540.

ClinVar aggregate classification (germline): Uncertain significance (1 of 4 stars; one submission).

Conditions:
Familial thoracic aortic aneurysm and aortic dissection (TAAD). Also called: Thoracic aortic aneurysms and dissections. Identifiers: Orphanet 91387, MedGen C4707243, MONDO:0019625.

Submission:

Ambry Genetics
Classification: Uncertain significance for Familial thoracic aortic aneurysm and aortic dissection. Last evaluated: 2022-06-06. Review status: criteria provided, single submitter. Criteria: Ambry Variant Classification Scheme 2023. Collection method: clinical testing. Allele origin: germline.
Comment: The p.C368S variant (also known as c.1102T>A), located in coding exon 4 of the TGFBR2 gene, results from a T to A substitution at nucleotide position 1102. The cysteine at codon 368 is replaced by serine, an amino acid with dissimilar properties. This amino acid position is conserved. In addition, this alteration is predicted to be deleterious by in silico analysis. Since supporting evidence is limited at this time, the clinical significance of this alteration remains unclear.